The following is an entry in ClinVar:

NM_000937.5(POLR2A):c.4723C>T (p.Pro1575Ser)

Gene: POLR2A (RNA polymerase II subunit A; plus strand). Cytogenetic location: 17p13.1.
Variant type: single nucleotide variant.
Coding change: c.4723C>T on transcript NM_000937.5 (MANE Select); coding-DNA position 4723, C replaced by T.
Protein change: p.Pro1575Ser; replaces proline 1575 with serine.
Molecular consequence: missense variant.
Genome position (GRCh38, 1-based): chr17:7,512,890, C>T. VCF-style: chr17-7512890-C-T. GRCh37 (hg19) VCF-style: chr17-7416209-C-T.
Other names: short protein forms P1575S.
Identifiers: ClinVar variation 4084511 (VCV004084511.8).

ClinVar aggregate classification (germline): Uncertain significance (1 of 4 stars; one submission).

Submission:

CeGaT Center for Human Genetics Tuebingen
Classification: Uncertain significance. Last evaluated: 2025-07-01. Review status: criteria provided, single submitter. Criteria: CeGaT Center For Human Genetics Tuebingen Variant Classification Criteria Version 2. Collection method: clinical testing. Allele origin: germline. Affected: yes. Observed: 1 variant allele.
Comment: POLR2A: PM2:Supporting, PP2